The following is an entry in ClinVar:

NM_000059.4(BRCA2):c.2437A>G (p.Ile813Val)

Gene: BRCA2 (BRCA2 DNA repair associated; plus strand). Cytogenetic location: 13q13.1.
Variant type: single nucleotide variant.
Coding change: c.2437A>G on transcript NM_000059.4 (MANE Select); coding-DNA position 2437, A replaced by G.
Protein change: p.Ile813Val; replaces isoleucine 813 with valine.
Molecular consequence: missense variant.
Genome position (GRCh38, 1-based): chr13:32,336,792, A>G. VCF-style: chr13-32336792-A-G. GRCh37 (hg19) VCF-style: chr13-32910929-A-G.
Other names: short protein forms I813V.
Identifiers: ClinVar variation 1395137 (VCV001395137.7), dbSNP rs2137486460, ClinGen allele CA387772203.

ClinVar aggregate classification (germline): Conflicting classifications of pathogenicity. Review status: criteria provided, conflicting classifications (1 of 4 stars). 2 submissions from 2 submitters: Uncertain significance (1); Likely benign (1). Last evaluated 2023-03-23.

Conditions:
Hereditary cancer-predisposing syndrome. Also called: Neoplastic Syndromes, Hereditary; Hereditary neoplastic syndrome; Tumor predisposition; Hereditary Cancer Syndrome. Identifiers: Orphanet 140162, MedGen C0027672, MeSH D009386, MONDO:0015356.
Hereditary breast ovarian cancer syndrome. Also called: BRCA1- and BRCA2-Associated Hereditary Breast and Ovarian Cancer; Hereditary breast and ovarian cancer syndrome (HBOC); Hereditary breast and ovarian cancer syndrome; Hereditary breast and ovarian cancer; Breast and ovarian cancer; Hereditary breast and/or ovarian cancer syndrome. Identifiers: Orphanet 145, MedGen C0677776, MeSH D061325, MONDO:0003582. Disease mechanism: loss of function.

Submissions (2):

University of Washington Department of Laboratory Medicine, University of Washington
Classification: Likely benign for Hereditary cancer-predisposing syndrome. Last evaluated: 2023-03-23. Review status: criteria provided, single submitter. Criteria: Dines et al. (Genet Med. 2020). Collection method: curation. Allele origin: germline.
Comment: Missense variant in a coldspot region where missense variants are very unlikely to be pathogenic (PMID:31911673).

BRCA2 exon 11 coldspot. Reclassification based on statistical prior probability.

Labcorp Genetics (formerly Invitae), Labcorp
Classification: Uncertain significance for Hereditary breast ovarian cancer syndrome. Last evaluated: 2021-11-26. Review status: criteria provided, single submitter. Criteria: Invitae Variant Classification Sherloc (09022015). Collection method: clinical testing. Allele origin: germline.
Comment: Advanced modeling of protein sequence and biophysical properties (such as structural, functional, and spatial information, amino acid conservation, physicochemical variation, residue mobility, and thermodynamic stability) performed at Invitae indicates that this missense variant is not expected to disrupt BRCA2 protein function. In summary, the available evidence is currently insufficient to determine the role of this variant in disease. Therefore, it has been classified as a Variant of Uncertain Significance. This variant has not been reported in the literature in individuals affected with BRCA2-related conditions. This variant is not present in population databases (gnomAD no frequency). This sequence change replaces isoleucine, which is neutral and non-polar, with valine, which is neutral and non-polar, at codon 813 of the BRCA2 protein (p.Ile813Val).